The following is an entry in ClinVar:

NM_001122630.2(CDKN1C):c.505C>T (p.Pro169Ser)

Gene: CDKN1C (cyclin dependent kinase inhibitor 1C; minus strand). Cytogenetic location: 11p15.4.
Variant type: single nucleotide variant.
Coding change: c.505C>T on transcript NM_001122630.2 (MANE Select); coding-DNA position 505, C replaced by T.
Protein change: p.Pro169Ser; replaces proline 169 with serine.
Molecular consequence: missense variant. On other transcripts: intron variant (1).
Genome position (GRCh38, 1-based): chr11:2,884,952, G>A on the plus strand (C>T on the coding strand, the complement: CDKN1C is on the minus strand). VCF-style: chr11-2884952-G-A. GRCh37 (hg19) VCF-style: chr11-2906182-G-A.
Other names: c.538C>T, p.Pro180Ser (NM_000076.2, NM_001362474.2); c.505C>T, p.Pro169Ser (NM_001122631.2); c.255+250C>T (NM_001362475.2); short protein forms P180S, P169S.
Identifiers: ClinVar variation 2917701 (VCV002917701.3), dbSNP rs2494387052, ClinGen allele CA379146505.

ClinVar aggregate classification (germline): Uncertain significance (1 of 4 stars; one submission).

Conditions:
Beckwith-Wiedemann syndrome (BWS). Also called: EMG SYNDROME; Exomphalos macroglossia gigantism syndrome. Identifiers: Orphanet 116, MedGen C0004903, MONDO:0007534, OMIM 130650.

Allele frequency attached by ClinVar (database versions not stated): gnomAD exomes below 0.00001.
gnomAD v4.1: 1 of 1,031,700 alleles (0.000097%); highest among the groups gnomAD compares: Non-Finnish European, 0.00012%; no homozygotes.

Submission:

Labcorp Genetics (formerly Invitae), Labcorp
Classification: Uncertain significance for Beckwith-Wiedemann syndrome. Last evaluated: 2024-04-10. Review status: criteria provided, single submitter. Criteria: Invitae Variant Classification Sherloc (09022015). Collection method: clinical testing. Allele origin: germline.
Comment: This sequence change replaces proline, which is neutral and non-polar, with serine, which is neutral and polar, at codon 180 of the CDKN1C protein (p.Pro180Ser). The frequency data for this variant in the population databases is considered unreliable, as metrics indicate insufficient coverage at this position in the gnomAD database. This variant has not been reported in the literature in individuals affected with CDKN1C-related conditions. Advanced modeling of protein sequence and biophysical properties (such as structural, functional, and spatial information, amino acid conservation, physicochemical variation, residue mobility, and thermodynamic stability) performed at Invitae indicates that this missense variant is not expected to disrupt CDKN1C protein function with a negative predictive value of 80%. In summary, the available evidence is currently insufficient to determine the role of this variant in disease. Therefore, it has been classified as a Variant of Uncertain Significance.